The following is an entry in ClinVar:

ClinVar aggregate classification (germline): Likely benign. Review status: criteria provided, multiple submitters, no conflicts (2 of 4 stars). 2 submissions from 2 submitters: Likely benign (2). Last evaluated 2024-11-21.

Allele frequency attached by ClinVar (database versions not stated): ESP Exome Variant Server 0.00054; 1000 Genomes Project 0.00060; 1000 Genomes Project 30x 0.00062; gnomAD 0.00094; ExAC 0.00107; TOPMed 0.00127.
gnomAD v4.1: 1,411 of 1,614,136 alleles (0.087%); highest among the groups gnomAD compares: Middle Eastern, 0.58%; 4 homozygotes.

Submissions (2):

Blueprint Genetics
Classification: Likely benign. Last evaluated: 2024-11-21. Review status: criteria provided, single submitter. Criteria: ACMG Guidelines, 2015. Collection method: clinical testing. Allele origin: germline.

CeGaT Center for Human Genetics Tuebingen
Classification: Likely benign. Last evaluated: 2024-07-01. Review status: criteria provided, single submitter. Criteria: CeGaT Center For Human Genetics Tuebingen Variant Classification Criteria Version 2. Collection method: clinical testing. Allele origin: germline. Affected: yes. Observed: 3 variant alleles.
Comment: TDP2: BP4, BP7

NM_016614.3(TDP2):c.1044T>G (p.Pro348=)

Gene: TDP2 (tyrosyl-DNA phosphodiesterase 2; minus strand). Cytogenetic location: 6p22.3.
Variant type: single nucleotide variant.
Coding change: c.1044T>G on transcript NM_016614.3 (MANE Select); coding-DNA position 1044, T replaced by G.
Protein change: p.Pro348=; no amino-acid change (proline 348 retained).
Molecular consequence: synonymous variant.
Genome position (GRCh38, 1-based): chr6:24,650,833, A>C on the plus strand (T>G on the coding strand, the complement: TDP2 is on the minus strand). VCF-style: chr6-24650833-A-C. GRCh37 (hg19) VCF-style: chr6-24651061-A-C.
Identifiers: ClinVar variation 2656287 (VCV002656287.25), dbSNP rs143596142, ClinGen allele CA3657989.